The following is an entry in ClinVar:

ClinVar aggregate classification (germline): Uncertain significance (1 of 4 stars; one submission).

Submission:

GeneDx
Classification: Uncertain significance. Last evaluated: 2025-07-16. Review status: criteria provided, single submitter. Criteria: GeneDx Variant Classification Process June 2021. Collection method: clinical testing. Allele origin: germline. Affected: yes.
Comment: Not observed at significant frequency in large population cohorts (gnomAD); In-frame deletion of 1 amino acid(s) in a non-repeat region; In silico analysis supports a deleterious effect on protein structure/function; Has not been previously published as pathogenic or benign to our knowledge

NM_002804.5(PSMC3):c.151_153del (p.Glu51del)

Gene: PSMC3 (proteasome 26S subunit, ATPase 3; minus strand). Cytogenetic location: 11p11.2.
Variant type: Deletion.
Coding change: c.151_153del on transcript NM_002804.5 (MANE Select); coding-DNA positions 151 to 153, 3 bases deleted (GAG; older notation c.151_153delGAG).
Protein change: p.Glu51del; deletes glutamic acid 51.
Molecular consequence: inframe deletion.
Genome position (GRCh38, 1-based): chr11:47,425,873-47,425,875, CTC deleted on the plus strand (GAG on the coding strand, the reverse complement: PSMC3 is on the minus strand). VCF-style (leftmost placement, unchanged base first): chr11-47425872-TCTC-T. GRCh37 (hg19) VCF-style: chr11-47447423-TCTC-T.
Other names: short protein forms E51del.
Identifiers: ClinVar variation 4686274 (VCV004686274.1).